The following is an entry in ClinVar:

ClinVar aggregate classification (germline): Uncertain significance. Review status: criteria provided, multiple submitters, no conflicts (2 of 4 stars). 2 submissions from 2 submitters: Uncertain significance (2). Last evaluated 2024-04-04.

Conditions:
Acrocallosal syndrome (ACLS). Also called: HALLUX DUPLICATION, POSTAXIAL POLYDACTYLY, AND ABSENCE OF CORPUS CALLOSUM; Schinzel syndrome 1; Absence of corpus callosum with unusual facial appearance, mental deficiency, duplication of the halluces and polydactyly. Identifiers: Orphanet 36, MedGen C0796147, MONDO:0008708, OMIM 200990.
Hydrolethalus syndrome 2 (HLS2). Identifiers: Orphanet 2189, MedGen C3279899, MONDO:0013585, OMIM 614120.
Multiple epiphyseal dysplasia, Al-Gazali type. Also called: Macrocephaly with multiple epiphyseal dysplasia and distinctive facies. Identifiers: Orphanet 166024, MedGen C1846722, MONDO:0011778, OMIM 607131.

Allele frequency attached by ClinVar (database versions not stated): 1000 Genomes Project 30x 0.00047; 1000 Genomes Project 0.00060.
gnomAD v4.1: 106 of 1,551,182 alleles (0.0068%); highest among the groups gnomAD compares: East Asian, 0.25%; no homozygotes.

Submissions (2):

Fulgent Genetics
Classification: Uncertain significance for Acrocallosal syndrome; Multiple epiphyseal dysplasia, Al-Gazali type; Hydrolethalus syndrome 2. Last evaluated: 2024-04-04. Review status: criteria provided, single submitter. Criteria: ACMG Guidelines, 2015. Collection method: clinical testing. Allele origin: germline.

Labcorp Genetics (formerly Invitae), Labcorp
Classification: Uncertain significance for Acrocallosal syndrome. Last evaluated: 2022-07-15. Review status: criteria provided, single submitter. Criteria: Invitae Variant Classification Sherloc (09022015). Collection method: clinical testing. Allele origin: germline.
Comment: This sequence change replaces asparagine, which is neutral and polar, with histidine, which is basic and polar, at codon 87 of the KIF7 protein (p.Asn87His). This variant is present in population databases (rs147947221, gnomAD 0.06%). This variant has not been reported in the literature in individuals affected with KIF7-related conditions. ClinVar contains an entry for this variant (Variation ID: 1397687). Algorithms developed to predict the effect of missense changes on protein structure and function are either unavailable or do not agree on the potential impact of this missense change (SIFT: "Deleterious"; PolyPhen-2: "Probably Damaging"; Align-GVGD: "Class C0"). In summary, the available evidence is currently insufficient to determine the role of this variant in disease. Therefore, it has been classified as a Variant of Uncertain Significance.

NM_198525.3(KIF7):c.259A>C (p.Asn87His)

Gene: KIF7 (kinesin family member 7; minus strand). Cytogenetic location: 15q26.1.
Variant type: single nucleotide variant.
Coding change: c.259A>C on transcript NM_198525.3 (MANE Select); coding-DNA position 259, A replaced by C.
Protein change: p.Asn87His; replaces asparagine 87 with histidine.
Molecular consequence: missense variant.
Genome position (GRCh38, 1-based): chr15:89,652,672, T>G on the plus strand (A>C on the coding strand, the complement: KIF7 is on the minus strand). VCF-style: chr15-89652672-T-G. GRCh37 (hg19) VCF-style: chr15-90195903-T-G.
Other names: short protein forms N87H.
Identifiers: ClinVar variation 1397687 (VCV001397687.4), dbSNP rs147947221, ClinGen allele CA7728670.